The following is an entry in ClinVar:

ClinVar aggregate classification (germline): Uncertain significance. Review status: criteria provided, multiple submitters, no conflicts (2 of 4 stars). 2 submissions from 2 submitters: Uncertain significance (2). Last evaluated 2025-05-15.

Allele frequency attached by ClinVar (database versions not stated): ExAC 0.00001; gnomAD 0.00002; TOPMed 0.00002; gnomAD exomes 0.00003; ESP Exome Variant Server 0.00008.
gnomAD v4.1: 46 of 1,613,422 alleles (0.0029%); highest among the groups gnomAD compares: Non-Finnish European, 0.0036%; no homozygotes.

Submissions (2):

Ambry Genetics
Classification: Uncertain significance. Last evaluated: 2025-05-15. Review status: criteria provided, single submitter. Criteria: Ambry Variant Classification Scheme 2023. Collection method: clinical testing. Allele origin: germline.

Labcorp Genetics (formerly Invitae), Labcorp
Classification: Uncertain significance. Last evaluated: 2024-09-21. Review status: criteria provided, single submitter. Criteria: Invitae Variant Classification Sherloc (09022015). Collection method: clinical testing. Allele origin: germline.
Comment: This sequence change replaces leucine, which is neutral and non-polar, with methionine, which is neutral and non-polar, at codon 135 of the SLC10A2 protein (p.Leu135Met). This variant is present in population databases (rs374462825, gnomAD 0.002%). This variant has not been reported in the literature in individuals affected with SLC10A2-related conditions. Invitae Evidence Modeling of protein sequence and biophysical properties (such as structural, functional, and spatial information, amino acid conservation, physicochemical variation, residue mobility, and thermodynamic stability) indicates that this missense variant is not expected to disrupt SLC10A2 protein function with a negative predictive value of 80%. In summary, the available evidence is currently insufficient to determine the role of this variant in disease. Therefore, it has been classified as a Variant of Uncertain Significance.

NM_000452.3(SLC10A2):c.403C>A (p.Leu135Met)

Gene: SLC10A2 (solute carrier family 10 member 2; minus strand). Cytogenetic location: 13q33.1.
Variant type: single nucleotide variant.
Coding change: c.403C>A on transcript NM_000452.3 (MANE Select); coding-DNA position 403, C replaced by A.
Protein change: p.Leu135Met; replaces leucine 135 with methionine.
Molecular consequence: missense variant.
Genome position (GRCh38, 1-based): chr13:103,058,357, G>T on the plus strand (C>A on the coding strand, the complement: SLC10A2 is on the minus strand). VCF-style: chr13-103058357-G-T. GRCh37 (hg19) VCF-style: chr13-103710707-G-T.
Other names: c.403C>A (NM_000452.2); short protein forms L135M.
Identifiers: ClinVar variation 2870050 (VCV002870050.4), dbSNP rs374462825, ClinGen allele CA7042235.